The following is an entry in ClinVar:

NM_025137.4(SPG11):c.891G>A (p.Leu297=)

Gene: SPG11 (SPG11 vesicle trafficking associated, spatacsin; minus strand). Cytogenetic location: 15q21.1.
Variant type: single nucleotide variant.
Coding change: c.891G>A on transcript NM_025137.4 (MANE Select); coding-DNA position 891, G replaced by A.
Protein change: p.Leu297=; no amino-acid change (leucine 297 retained).
Molecular consequence: synonymous variant.
Genome position (GRCh38, 1-based): chr15:44,652,245, C>T on the plus strand (G>A on the coding strand, the complement: SPG11 is on the minus strand). VCF-style: chr15-44652245-C-T. GRCh37 (hg19) VCF-style: chr15-44944443-C-T.
Other names: c.891G>A, p.Leu297= (NM_001160227.2).
Identifiers: ClinVar variation 1097280 (VCV001097280.13), dbSNP rs765967405, ClinGen allele CA7535681.
Genomic context (GRCh38, chr15:44,652,245, plus strand): 5'-ATCATCTTCATCTACGCCCTTAGGTCCTTGAATAGGAAGATCTTCTAGTATTCTTTCACA[C>T]AGTAGGTGTCCTGGGTGTTGCCTACATTTAAAAATAATGATAGACATATGAAAAAATGAT-3'
Protein context (NP_079413.3, residues 287-307): LYFRQHPGHL[Leu297=]CERILEDLPI

ClinVar aggregate classification (germline): Conflicting classifications of pathogenicity. Review status: criteria provided, conflicting classifications (1 of 4 stars). 3 submissions from 3 submitters: Uncertain significance (1); Likely benign (2). Last evaluated 2026-01-20.

Conditions:
SPG11-related disorder. Also called: SPG11-related condition.
Hereditary spastic paraplegia. Also called: Familial spastic paraparesis. Identifiers: Orphanet 685, MedGen C0037773, MONDO:0019064. Disease mechanism: loss of function.
Hereditary spastic paraplegia 11. Also called: Spastic Paraplegia 11; Nakamura Osame syndrome; Autosomal recessive hereditary spastic paraplegia, mental impairment, and thin corpus callosum; Spastic paraplegia, mental retardation and thin corpus callosum; SPASTIC PARAPLEGIA, AUTOSOMAL RECESSIVE, COMPLICATED, WITH THIN CORPUS CALLOSUM; SPASTIC PARAPLEGIA, AUTOSOMAL RECESSIVE, WITH MENTAL IMPAIRMENT AND THIN CORPUS CALLOSUM. Identifiers: Orphanet 2822, MedGen C1858479, MONDO:0011445, OMIM 604360.

Allele frequency attached by ClinVar (database versions not stated): TOPMed 0.00001; ExAC 0.00002; gnomAD exomes 0.00002.
gnomAD v4.1: 33 of 1,613,928 alleles (0.002%); highest among the groups gnomAD compares: Non-Finnish European, 0.0023%; no homozygotes.

Submissions (3):

Labcorp Genetics (formerly Invitae), Labcorp
Classification: Likely benign for Hereditary spastic paraplegia 11. Last evaluated: 2026-01-20. Review status: criteria provided, single submitter. Criteria: Invitae Variant Classification Sherloc (09022015). Collection method: clinical testing. Allele origin: germline.

PreventionGenetics, part of Exact Sciences
Classification: Likely benign for SPG11-related condition. Last evaluated: 2025-08-12. Review status: criteria provided, single submitter. Criteria: ACMG Guidelines, 2015. Collection method: clinical testing. Allele origin: germline.
Comment: This variant is classified as likely benign based on ACMG/AMP sequence variant interpretation guidelines (Richards et al. 2015 PMID: 25741868, with internal and published modifications).

Genome Diagnostics Laboratory, The Hospital for Sick Children
Classification: Uncertain significance for Hereditary spastic paraplegia. Last evaluated: 2016-12-12. Review status: criteria provided, single submitter. Criteria: ACMG Guidelines, 2015. Collection method: clinical testing. Allele origin: germline. Affected: yes.